The following is an entry in ClinVar:

ClinVar aggregate classification (germline): Likely benign. Review status: criteria provided, multiple submitters, no conflicts (2 of 4 stars). 3 submissions from 3 submitters: Likely benign (3). Last evaluated 2026-06-01.

Conditions:
Inborn genetic diseases. Identifiers: MedGen C0950123, MeSH D030342.

Allele frequency attached by ClinVar (database versions not stated): gnomAD 0.00002; gnomAD exomes 0.00005 and 0.00009; ExAC 0.00006.

Submissions (3):

CeGaT Center for Human Genetics Tuebingen
Classification: Likely benign. Last evaluated: 2026-06-01. Review status: criteria provided, single submitter. Criteria: CeGaT Center For Human Genetics Tuebingen Variant Classification Criteria Version 2. Collection method: clinical testing. Allele origin: germline. Affected: yes. Observed: 1 variant allele.
Comment: SON: BP4, BS2

Ambry Genetics
Classification: Likely benign for Inborn genetic diseases. Last evaluated: 2026-04-14. Review status: criteria provided, single submitter. Criteria: Ambry Variant Classification Scheme 2023. Collection method: clinical testing. Allele origin: germline.

Labcorp Genetics (formerly Invitae), Labcorp
Classification: Likely benign. Last evaluated: 2024-09-11. Review status: criteria provided, single submitter. Criteria: Invitae Variant Classification Sherloc (09022015). Collection method: clinical testing. Allele origin: germline.

NM_138927.4(SON):c.3926C>G (p.Ala1309Gly)

Gene: SON (SON DNA and RNA binding protein; plus strand). Cytogenetic location: 21q22.11.
Variant type: single nucleotide variant.
Coding change: c.3926C>G on transcript NM_138927.4 (MANE Select); coding-DNA position 3926, C replaced by G.
Protein change: p.Ala1309Gly; replaces alanine 1309 with glycine.
Molecular consequence: missense variant. On other transcripts: non-coding transcript variant (1), intron variant (1).
Genome position (GRCh38, 1-based): chr21:33,553,157, C>G. VCF-style: chr21-33553157-C-G. GRCh37 (hg19) VCF-style: chr21-34925463-C-G.
Other names: c.245-3999C>G (NM_001291412.3); c.3926C>G (NM_138927.1); c.3926C>G, p.Ala1309Gly (NM_001291411.2, NM_032195.3); short protein forms A1309G.
Identifiers: ClinVar variation 1398469 (VCV001398469.9), dbSNP rs778818401, ClinGen allele CA10009401.